The following is an entry in ClinVar:

ClinVar aggregate classification (germline): Likely benign. Review status: criteria provided, single submitter (1 of 4 stars). 2 submissions from 2 submitters: Likely benign (1). 1 of the submissions does not count toward it. Last evaluated 2025-10-25.

Conditions:
KIDINS220-related disorder. Also called: KIDINS220-related condition.

gnomAD v4.1: 19 of 1,565,708 alleles (0.0012%); highest among the groups gnomAD compares: African/African-American, 0.018%; no homozygotes.

Submissions (2):

Labcorp Genetics (formerly Invitae), Labcorp
Classification: Likely benign. Last evaluated: 2025-10-25. Review status: criteria provided, single submitter. Criteria: Invitae Variant Classification Sherloc (09022015). Collection method: clinical testing. Allele origin: germline.

PreventionGenetics, part of Exact Sciences
Classification: Likely benign for KIDINS220-related condition. Last evaluated: 2023-08-22. Review status: no assertion criteria provided. Collection method: clinical testing. Allele origin: germline. Not counted in ClinVar's aggregate classification.
Comment: This variant is classified as likely benign based on ACMG/AMP sequence variant interpretation guidelines (Richards et al. 2015 PMID: 25741868, with internal and published modifications).

NM_020738.4(KIDINS220):c.3012-4G>A

Gene: KIDINS220 (kinase D interacting substrate 220; minus strand). Cytogenetic location: 2p25.1.
Variant type: single nucleotide variant.
Coding change: c.3012-4G>A on transcript NM_020738.4 (MANE Select); 4 bases into the intron before coding-DNA position 3012, G replaced by A.
Molecular consequence: intron variant.
Genome position (GRCh38, 1-based): chr2:8,751,648, C>T on the plus strand (G>A on the coding strand, the complement: KIDINS220 is on the minus strand). VCF-style: chr2-8751648-C-T. GRCh37 (hg19) VCF-style: chr2-8891778-C-T.
Other names: c.3012-4G>A (NM_001348741.2, NM_001348738.2, NM_001348742.2 and 3 more transcripts); c.3015-4G>A (NM_001348739.2, NM_001348740.2, NM_001348734.2 and 2 more transcripts); c.2886-4G>A (NM_001348736.2).
Identifiers: ClinVar variation 3358820 (VCV003358820.2).